The following is an entry in ClinVar:

ClinVar aggregate classification (germline): Uncertain significance (1 of 4 stars; one submission).

Conditions:
Primary familial hypertrophic cardiomyopathy (HCM). Identifiers: Orphanet 99739, MedGen C0949658, MeSH D024741, MONDO:0024573. Inheritance: Various modes of inheritance.
Dilated cardiomyopathy 1AA (CMD1AA). Also called: CARDIOMYOPATHY, DILATED, 1AA, WITH OR WITHOUT LEFT VENTRICULAR NONCOMPACTION; CARDIOMYOPATHY, FAMILIAL HYPERTROPHIC, 23, WITH OR WITHOUT LEFT VENTRICULAR NONCOMPACTION; Cardiomyopathy, dilated, 1AA, with or without LVNC. Identifiers: Orphanet 154, MedGen C2677338, MONDO:0012808, OMIM 612158.

Allele frequency attached by ClinVar (database versions not stated): gnomAD exomes below 0.00001; TOPMed below 0.00001.
gnomAD v4.1: 2 of 1,614,146 alleles (0.00012%); highest among the groups gnomAD compares: Non-Finnish European, 0.00017%; no homozygotes.

Submission:

Labcorp Genetics (formerly Invitae), Labcorp
Classification: Uncertain significance for Primary familial hypertrophic cardiomyopathy; Dilated cardiomyopathy 1AA. Last evaluated: 2022-06-26. Review status: criteria provided, single submitter. Criteria: Invitae Variant Classification Sherloc (09022015). Collection method: clinical testing. Allele origin: germline.
Comment: In summary, the available evidence is currently insufficient to determine the role of this variant in disease. Therefore, it has been classified as a Variant of Uncertain Significance. Advanced modeling of protein sequence and biophysical properties (such as structural, functional, and spatial information, amino acid conservation, physicochemical variation, residue mobility, and thermodynamic stability) performed at Invitae indicates that this missense variant is not expected to disrupt ACTN2 protein function. This variant has not been reported in the literature in individuals affected with ACTN2-related conditions. This variant is not present in population databases (gnomAD no frequency). This sequence change replaces leucine, which is neutral and non-polar, with phenylalanine, which is neutral and non-polar, at codon 888 of the ACTN2 protein (p.Leu888Phe).

NM_001103.4(ACTN2):c.2662C>T (p.Leu888Phe)

Gene: ACTN2 (actinin alpha 2; plus strand). Cytogenetic location: 1q43.
Variant type: single nucleotide variant.
Coding change: c.2662C>T on transcript NM_001103.4 (MANE Select); coding-DNA position 2662, C replaced by T.
Protein change: p.Leu888Phe; replaces leucine 888 with phenylalanine.
Molecular consequence: missense variant.
Genome position (GRCh38, 1-based): chr1:236,762,596, C>T. VCF-style: chr1-236762596-C-T. GRCh37 (hg19) VCF-style: chr1-236925896-C-T.
Other names: c.2662C>T, p.Leu888Phe (NM_001278343.2); c.2038C>T, p.Leu680Phe (NM_001278344.2); c.1912C>T, p.Leu638Phe (NM_001412150.1); short protein forms L680F, L638F, L888F.
Identifiers: ClinVar variation 2200936 (VCV002200936.4), dbSNP rs1659744239, ClinGen allele CA345392683.